The following is an entry in ClinVar:

ClinVar aggregate classification (germline): Uncertain significance. Review status: criteria provided, multiple submitters, no conflicts (2 of 4 stars). 2 submissions from 2 submitters: Uncertain significance (2). Last evaluated 2024-11-15.

Conditions:
Multiple acyl-CoA dehydrogenase deficiency (MADD). Also called: Glutaric Acidemia type 2; ETHYLMALONIC-ADIPICACIDURIA; GA II; Glutaric aciduria, type 2; Glutaric acidemia type II; GA 2. Identifiers: Orphanet 26791, MedGen C0268596, MONDO:0009282, OMIM 231680.
Inborn genetic diseases. Identifiers: MedGen C0950123, MeSH D030342.

Allele frequency attached by ClinVar (database versions not stated): 1000 Genomes Project 30x 0.00031; 1000 Genomes Project 0.00040.

Submissions (2):

Ambry Genetics
Classification: Uncertain significance for Inborn genetic diseases. Last evaluated: 2024-11-15. Review status: criteria provided, single submitter. Criteria: Ambry Variant Classification Scheme 2023. Collection method: clinical testing. Allele origin: germline.

Labcorp Genetics (formerly Invitae), Labcorp
Classification: Uncertain significance for Multiple acyl-CoA dehydrogenase deficiency. Last evaluated: 2022-11-01. Review status: criteria provided, single submitter. Criteria: Invitae Variant Classification Sherloc (09022015). Collection method: clinical testing. Allele origin: germline.
Comment: This sequence change replaces isoleucine, which is neutral and non-polar, with methionine, which is neutral and non-polar, at codon 166 of the ETFB protein (p.Ile166Met). This variant is present in population databases (rs150636733, gnomAD 0.03%). This variant has not been reported in the literature in individuals affected with ETFB-related conditions. Advanced modeling of protein sequence and biophysical properties (such as structural, functional, and spatial information, amino acid conservation, physicochemical variation, residue mobility, and thermodynamic stability) performed at Invitae indicates that this missense variant is not expected to disrupt ETFB protein function. In summary, the available evidence is currently insufficient to determine the role of this variant in disease. Therefore, it has been classified as a Variant of Uncertain Significance.

NM_001985.3(ETFB):c.498C>G (p.Ile166Met)

Gene: ETFB (electron transfer flavoprotein subunit beta; minus strand). Cytogenetic location: 19q13.41.
Variant type: single nucleotide variant.
Coding change: c.498C>G on transcript NM_001985.3 (MANE Select); coding-DNA position 498, C replaced by G.
Protein change: p.Ile166Met; replaces isoleucine 166 with methionine.
Molecular consequence: missense variant.
Genome position (GRCh38, 1-based): chr19:51,346,999, G>C on the plus strand (C>G on the coding strand, the complement: ETFB is on the minus strand). VCF-style: chr19-51346999-G-C. GRCh37 (hg19) VCF-style: chr19-51850253-G-C.
Other names: c.771C>G, p.Ile257Met (NM_001014763.1); c.498C>G (NM_001985.2); short protein forms I166M, I257M.
Identifiers: ClinVar variation 2168987 (VCV002168987.3), dbSNP rs150636733, ClinGen allele CA9610732.